The following is an entry in ClinVar:

NM_000492.4(CFTR):c.4234C>T (p.Gln1412Ter)

Gene: CFTR (CF transmembrane conductance regulator; plus strand). Cytogenetic location: 7q31.2.
Variant type: single nucleotide variant.
Coding change: c.4234C>T on transcript NM_000492.4 (MANE Select); coding-DNA position 4234, C replaced by T.
Protein change: p.Gln1412Ter; replaces glutamine 1412 with a stop codon.
Molecular consequence: nonsense.
Genome position (GRCh38, 1-based): chr7:117,665,556, C>T. VCF-style: chr7-117665556-C-T. GRCh37 (hg19) VCF-style: chr7-117305610-C-T.
Other names: short protein forms Q1412*.
Identifiers: ClinVar variation 53926 (VCV000053926.17), dbSNP rs397508702, ClinGen allele CA327461.

ClinVar aggregate classification (germline): Pathogenic. Review status: reviewed by expert panel (3 of 4 stars). 8 submissions from 8 submitters: Pathogenic (1). 7 of the submissions do not count toward it. Last evaluated 2017-03-17.

Conditions:
CFTR-related disorder (CFTR-RD). Also called: CFTR-related condition; CFTR-related disorders. Identifiers: MedGen C5924204, MONDO:7770004.
Bronchiectasis with or without elevated sweat chloride 1 (BESC1). Also called: Cystic Fibrosis-Like Syndrome. Identifiers: Orphanet 60033, MedGen C2749757, MONDO:0008887, OMIM 211400.
Congenital bilateral aplasia of vas deferens from CFTR mutation (CBAVD). Identifiers: Orphanet 48, MedGen C0403814, MONDO:0010178, OMIM 277180. Disease mechanism: loss of function.
Cystic fibrosis (CF). Also called: MUCOVISCIDOSIS. Identifiers: Orphanet 586, MedGen C0010674, MONDO:0009061, OMIM 219700. Disease mechanism: loss of function.
Hereditary pancreatitis (PCTT). Also called: PRSS1-Related Hereditary Pancreatitis; Hereditary chronic pancreatitis. Identifiers: Orphanet 676, MedGen C0238339, MONDO:0008185, OMIM 167800.

Allele frequency attached by ClinVar (database versions not stated): gnomAD exomes below 0.00001; ExAC 0.00001.
gnomAD v4.1: 2 of 1,606,104 alleles (0.00012%); highest among the groups gnomAD compares: Non-Finnish European, 0.00017%; no homozygotes.

Submissions (8):

CFTR2
Classification: Pathogenic for Cystic fibrosis. Last evaluated: 2017-03-17. Review status: reviewed by expert panel. Criteria: Sosnay PR et al. (Nat Genet 2013). Collection method: research. Allele origin: germline. Affected: yes. Study: CFTR2.

Natera, Inc.
Classification: Pathogenic for CFTR-related disorders. Last evaluated: 2025-01-29. Review status: criteria provided, single submitter. Criteria: Natera Variant Classification Schema (03/2026). Collection method: clinical testing. Allele origin: germline. Not counted in ClinVar's aggregate classification.
Comment: The c.4234C>T variant in CFTR is a nonsense variant predicted to introduce a stop codon at amino acid 1412. This variant is expected to result in nonsense mediated decay, truncation, or a dysfunctional protein product. This variant is rare in the general population with a frequency below the threshold expected for the associated phenotype(s). This variant has been observed in one or more individuals affected with the associated recessive disease, as either homozygous or compound heterozygous with a second variant (PMID: 24586523). Given the available evidence, this variant is classified as Pathogenic.

Fulgent Genetics
Classification: Pathogenic for Hereditary pancreatitis; Bronchiectasis with or without elevated sweat chloride 1; Cystic fibrosis; Congenital bilateral aplasia of vas deferens from CFTR mutation. Last evaluated: 2024-01-23. Review status: criteria provided, single submitter. Criteria: ACMG Guidelines, 2015. Collection method: clinical testing. Allele origin: germline. Not counted in ClinVar's aggregate classification.

Baylor Genetics
Classification: Pathogenic for Bronchiectasis with or without elevated sweat chloride 1. Last evaluated: 2023-04-25. Review status: criteria provided, single submitter. Criteria: ACMG Guidelines, 2015. Collection method: clinical testing. Allele origin: unknown. Not counted in ClinVar's aggregate classification.

Labcorp Genetics (formerly Invitae), Labcorp
Classification: Pathogenic for Cystic fibrosis. Last evaluated: 2023-03-30. Review status: criteria provided, single submitter. Criteria: Invitae Variant Classification Sherloc (09022015). Collection method: clinical testing. Allele origin: germline. Not counted in ClinVar's aggregate classification.
Comment: For these reasons, this variant has been classified as Pathogenic. This variant disrupts a region of the CFTR protein in which other variant(s) (p.Glu1418Argfs*14) have been determined to be pathogenic (PMID: 7691344, 15638824, 23974870). This suggests that this is a clinically significant region of the protein, and that variants that disrupt it are likely to be disease-causing. ClinVar contains an entry for this variant (Variation ID: 53926). This premature translational stop signal has been observed in individual(s) with cystic fibrosis (PMID: 8956039, 23974870, 24586523). This variant is not present in population databases (gnomAD no frequency). This sequence change creates a premature translational stop signal (p.Gln1412*) in the CFTR gene. While this is not anticipated to result in nonsense mediated decay, it is expected to disrupt the last 69 amino acid(s) of the CFTR protein.

Women's Health and Genetics/Laboratory Corporation of America, LabCorp
Classification: Pathogenic for Cystic fibrosis. Last evaluated: 2022-12-12. Review status: criteria provided, single submitter. Criteria: LabCorp Variant Classification Summary - May 2015. Collection method: clinical testing. Allele origin: germline. Not counted in ClinVar's aggregate classification.
Comment: Variant summary: CFTR c.4234C>T (p.Gln1412X) results in a premature termination codon, predicted to cause a truncation of the encoded protein, which is a commonly known mechanism for disease. Truncations downstream of this position have been classified as pathogenic by our laboratory. The variant allele was found at a frequency of 4e-06 in 250742 control chromosomes (gnomAD). c.4234C>T has been reported in the literature in individuals affected with Cystic Fibrosis, including cases where it has been confirmed to be in trans with a pathogenic variant (e.g. Hughes_1996, Elahi_2006, Zietkiewicz_2013). These data indicate that the variant is likely to be associated with disease. At least one publication reports experimental evidence evaluating an impact on protein function (e.g. Sharma_2018). The results showed that although this variant does not cause nonsense mediated decay, it produces a truncated immature protein with little to no activity, <1% of normal. Five submitters, including the expert panel CFTR2, have provided assessments for this variant to ClinVar after 2014 and all classified the variant as pathogenic. Based on the evidence outlined above, the variant was classified as pathogenic.

Ambry Genetics
Classification: Pathogenic for Cystic fibrosis. Last evaluated: 2022-02-25. Review status: criteria provided, single submitter. Criteria: Ambry Variant Classification Scheme 2023. Collection method: clinical testing. Allele origin: germline. Not counted in ClinVar's aggregate classification.
Comment: The p.Q1412* pathogenic mutation (also known as c.4234C>T), located in coding exon 26 of the CFTR gene, results from a C to T substitution at nucleotide position 4234. This changes the amino acid from a glutamine to a stop codon within coding exon 26. This alteration occurs at the 3' terminus of the CFTR gene, is not expected to trigger nonsense-mediated mRNA decay, and only impacts the last 4% of the protein. However, premature stop codons are typically deleterious in nature and the impacted region is critical for protein function (Ambry internal data). This alteration has been observed in individuals with cystic fibrosis or CFTR-related disorders (Hughes DJ et al. Hum Mutat, 1996;8:340-7; Sosnay PR et al. Nat Genet, 2013 Oct;45:1160-7; Zitkiewicz E et al. PLoS One, 2014 Feb;9:e89094). This variant is considered to be rare based on population cohorts in the Genome Aggregation Database (gnomAD). Based on the supporting evidence, this alteration is interpreted as a disease-causing mutation.

CFTR-France
Classification: Pathogenic for cystic fibrosis. Last evaluated: 2018-01-29. Review status: criteria provided, single submitter. Criteria: Claustres M et al. (Hum Mutat 2017). Collection method: curation. Allele origin: germline. Affected: yes. Not counted in ClinVar's aggregate classification.

Literature cited by the submitters: PubMed 24586523 (cited by 4 submitters); PubMed 7691344 (cited by Labcorp Genetics (formerly Invitae), Labcorp); PubMed 15638824 (cited by Labcorp Genetics (formerly Invitae), Labcorp); PubMed 23974870 (cited by Labcorp Genetics (formerly Invitae), Labcorp and Ambry Genetics); PubMed 8956039 (cited by 3 submitters); PubMed 16436643 (cited by Women's Health and Genetics/Laboratory Corporation of America, LabCorp); PubMed 30444886 (cited by Women's Health and Genetics/Laboratory Corporation of America, LabCorp).